The following is an entry in ClinVar:

NM_001004334.4(GPR179):c.6789del (p.Arg2264fs)

Gene: GPR179 (G protein-coupled receptor 179; minus strand). Cytogenetic location: 17q12.
Variant type: Deletion.
Coding change: c.6789del on transcript NM_001004334.4 (MANE Select); coding-DNA position 6789, one base deleted (G; older notation c.6789delG).
Protein change: p.Arg2264fs; shifts the reading frame from arginine 2264.
Molecular consequence: frameshift variant.
Genome position (GRCh38, 1-based): chr17:38,326,780, C deleted on the plus strand (G on the coding strand, the reverse complement: GPR179 is on the minus strand); the first of 2 consecutive C bases (chr17:38,326,780-38,326,781); deleting either gives the same sequence. VCF-style (leftmost placement, unchanged base first): chr17-38326779-TC-T. GRCh37 (hg19) VCF-style: chr17-36482662-TC-T.
Other names: c.6789delG (NM_001004334.3); short protein forms R2264fs.
Identifiers: ClinVar variation 423230 (VCV000423230.3), dbSNP rs1064796310, ClinGen allele CA16620400.

ClinVar aggregate classification (germline): Uncertain significance. Review status: criteria provided, multiple submitters, no conflicts (2 of 4 stars). 2 submissions from 2 submitters: Uncertain significance (2). Last evaluated 2024-09-21.

Submissions (2):

Blueprint Genetics
Classification: Uncertain significance. Last evaluated: 2024-09-21. Review status: criteria provided, single submitter. Criteria: ACMG Guidelines, 2015. Collection method: clinical testing. Allele origin: germline.

GeneDx
Classification: Uncertain significance. Last evaluated: 2017-01-24. Review status: criteria provided, single submitter. Criteria: GeneDx Variant Classification (06012015). Collection method: clinical testing. Allele origin: germline. Affected: yes.
Comment: The c.6789delG variant in the GPR179 gene has not been reported previously as a pathogenic variant nor as a benign variant, to our knowledge. The c.6789delG variant causes a frameshift starting with codon Arginine 2264 changes this amino acid to a Glutamic Acid residue, and creates a premature Stop codon at position 15 of the new reading frame, denoted p.Arg2264GlufsX15. This variant is predicted to cause loss of normal protein function through protein truncation. The c.6789delG variant was not observed in approximately 6,000 individuals of European and African American ancestry in the NHLBI Exome Sequencing Project, indicating it is not a common benign variant in these populations. We interpret c.6789delG as a variant of uncertain significance.